The following is an entry in ClinVar:

ClinVar aggregate classification (germline): Uncertain significance (1 of 4 stars; one submission).

Allele frequency attached by ClinVar (database versions not stated): TOPMed below 0.00001; ExAC 0.00002; gnomAD exomes 0.00002.
gnomAD v4.1: 27 of 1,605,588 alleles (0.0017%); highest among the groups gnomAD compares: East Asian, 0.009%; no homozygotes.

Submission:

Labcorp Genetics (formerly Invitae), Labcorp
Classification: Uncertain significance. Last evaluated: 2022-07-27. Review status: criteria provided, single submitter. Criteria: Invitae Variant Classification Sherloc (09022015). Collection method: clinical testing. Allele origin: germline.
Comment: This sequence change replaces arginine, which is basic and polar, with cysteine, which is neutral and slightly polar, at codon 674 of the MCM5 protein (p.Arg674Cys). This variant is present in population databases (rs752267017, gnomAD 0.009%). This variant has not been reported in the literature in individuals affected with MCM5-related conditions. Algorithms developed to predict the effect of missense changes on protein structure and function are either unavailable or do not agree on the potential impact of this missense change (SIFT: "Deleterious"; PolyPhen-2: "Probably Damaging"; Align-GVGD: "Class C0"). In summary, the available evidence is currently insufficient to determine the role of this variant in disease. Therefore, it has been classified as a Variant of Uncertain Significance.

NM_006739.4(MCM5):c.2020C>T (p.Arg674Cys)

Gene: MCM5 (minichromosome maintenance complex component 5; plus strand). Cytogenetic location: 22q12.3.
Variant type: single nucleotide variant.
Coding change: c.2020C>T on transcript NM_006739.4 (MANE Select); coding-DNA position 2020, C replaced by T.
Protein change: p.Arg674Cys; replaces arginine 674 with cysteine.
Molecular consequence: missense variant.
Genome position (GRCh38, 1-based): chr22:35,423,258, C>T. VCF-style: chr22-35423258-C-T. GRCh37 (hg19) VCF-style: chr22-35819251-C-T.
Other names: short protein forms R674C.
Identifiers: ClinVar variation 2069920 (VCV002069920.4), dbSNP rs752267017, ClinGen allele CA10205633.